The following is an entry in ClinVar:

NM_001378778.1(MPDZ):c.3197C>G (p.Thr1066Ser)

Gene: MPDZ (multiple PDZ domain crumbs cell polarity complex component; minus strand). Cytogenetic location: 9p23.
Variant type: single nucleotide variant.
Coding change: c.3197C>G on transcript NM_001378778.1 (MANE Select); coding-DNA position 3197, C replaced by G.
Protein change: p.Thr1066Ser; replaces threonine 1066 with serine.
Molecular consequence: missense variant.
Genome position (GRCh38, 1-based): chr9:13,168,423, G>C on the plus strand (C>G on the coding strand, the complement: MPDZ is on the minus strand). VCF-style: chr9-13168423-G-C. GRCh37 (hg19) VCF-style: chr9-13168422-G-C.
Other names: c.3197C>G, p.Thr1066Ser (NM_001261406.2, NM_001261407.2, NM_001330637.2 and 14 more transcripts); short protein forms T1066S.
Identifiers: ClinVar variation 1018039 (VCV001018039.8), dbSNP rs752113225, ClinGen allele CA4987231.

ClinVar aggregate classification (germline): Uncertain significance (1 of 4 stars; one submission).

Allele frequency attached by ClinVar (database versions not stated): ExAC 0.00001; gnomAD exomes below 0.00001.
gnomAD v4.1: 3 of 1,613,472 alleles (0.00019%); highest among the groups gnomAD compares: Middle Eastern, 0.017%; no homozygotes.

Submission:

Labcorp Genetics (formerly Invitae), Labcorp
Classification: Uncertain significance. Last evaluated: 2023-04-24. Review status: criteria provided, single submitter. Criteria: Invitae Variant Classification Sherloc (09022015). Collection method: clinical testing. Allele origin: germline.
Comment: In summary, the available evidence is currently insufficient to determine the role of this variant in disease. Therefore, it has been classified as a Variant of Uncertain Significance. An algorithm developed to predict the effect of missense changes on protein structure and function (PolyPhen-2) suggests that this variant is likely to be tolerated. ClinVar contains an entry for this variant (Variation ID: 1018039). This variant has not been reported in the literature in individuals affected with MPDZ-related conditions. This variant is present in population databases (rs752113225, gnomAD 0.003%). This sequence change replaces threonine, which is neutral and polar, with serine, which is neutral and polar, at codon 1066 of the MPDZ protein (p.Thr1066Ser).